The following is an entry in ClinVar:

NM_001128431.4(SLC39A14):c.824A>T (p.Glu275Val)

Gene: SLC39A14 (solute carrier family 39 member 14; plus strand). Cytogenetic location: 8p21.3.
Variant type: single nucleotide variant.
Coding change: c.824A>T on transcript NM_001128431.4 (MANE Select); coding-DNA position 824, A replaced by T.
Protein change: p.Glu275Val; replaces glutamic acid 275 with valine.
Molecular consequence: missense variant.
Genome position (GRCh38, 1-based): chr8:22,415,842, A>T. VCF-style: chr8-22415842-A-T. GRCh37 (hg19) VCF-style: chr8-22273355-A-T.
Other names: c.824A>T, p.Glu275Val (NM_001135153.3, NM_001135154.3, NM_001351655.2 and 3 more transcripts); c.854A>T, p.Glu285Val (NM_001351657.2, NM_001351658.2, NM_001351659.2); short protein forms E285V, E275V.
Identifiers: ClinVar variation 2080944 (VCV002080944.4), dbSNP rs2487151842, ClinGen allele CA370532565.

ClinVar aggregate classification (germline): Uncertain significance (1 of 4 stars; one submission).

Submission:

Labcorp Genetics (formerly Invitae), Labcorp
Classification: Uncertain significance. Last evaluated: 2024-10-17. Review status: criteria provided, single submitter. Criteria: Invitae Variant Classification Sherloc (09022015). Collection method: clinical testing. Allele origin: germline.
Comment: This sequence change replaces glutamic acid, which is acidic and polar, with valine, which is neutral and non-polar, at codon 275 of the SLC39A14 protein (p.Glu275Val). This variant is not present in population databases (gnomAD no frequency). This variant has not been reported in the literature in individuals affected with SLC39A14-related conditions. ClinVar contains an entry for this variant (Variation ID: 2080944). Invitae Evidence Modeling of protein sequence and biophysical properties (such as structural, functional, and spatial information, amino acid conservation, physicochemical variation, residue mobility, and thermodynamic stability) indicates that this missense variant is not expected to disrupt SLC39A14 protein function with a negative predictive value of 80%. In summary, the available evidence is currently insufficient to determine the role of this variant in disease. Therefore, it has been classified as a Variant of Uncertain Significance.